The following is an entry in ClinVar:

NM_018127.7(ELAC2):c.885G>C (p.Glu295Asp)

Gene: ELAC2 (elaC ribonuclease Z 2; minus strand). Cytogenetic location: 17p12.
Variant type: single nucleotide variant.
Coding change: c.885G>C on transcript NM_018127.7 (MANE Select); coding-DNA position 885, G replaced by C.
Protein change: p.Glu295Asp; replaces glutamic acid 295 with aspartic acid.
Molecular consequence: missense variant.
Genome position (GRCh38, 1-based): chr17:13,005,087, C>G on the plus strand (G>C on the coding strand, the complement: ELAC2 is on the minus strand). VCF-style: chr17-13005087-C-G. GRCh37 (hg19) VCF-style: chr17-12908404-C-G.
Other names: c.765G>C, p.Glu255Asp (NM_001165962.2); c.885G>C, p.Glu295Asp (NM_173717.2); short protein forms E255D, E295D.
Identifiers: ClinVar variation 4890836 (VCV004890836.1).

ClinVar aggregate classification (germline): Uncertain significance (1 of 4 stars; one submission).

Conditions:
Combined oxidative phosphorylation defect type 17. Also called: Combined oxidative phosphorylation deficiency 17. Identifiers: Orphanet 369913, MedGen C3809526, MONDO:0014190, OMIM 615440.

Submission:

Helix
Classification: Uncertain significance for Combined oxidative phosphorylation defect type 17. Last evaluated: 2025-09-25. Review status: criteria provided, single submitter. Criteria: ACMG Guidelines, 2015. Collection method: clinical testing. Allele origin: germline. Inheritance: Autosomal recessive inheritance.
Comment: This variant (NM_018127.7:c.885G>C p.Glu295Asp) results in the substitution of glutamic acid with aspartic acid at codon 295 in the ELAC2 protein. It is a rare variant that is absent from the large gnomAD population database (v4.1). To our knowledge, this variant has not been reported in individuals with ELAC2-related conditions in the published literature. In silico prediction from REVEL (PMID: 27666373) suggests that this variant may be benign. In conclusion, since the available evidence is limited, the clinical significance of this variant is unclear at this time. Therefore, it is classified as a Variant of Uncertain Significance.